The following is an entry in ClinVar:

ClinVar aggregate classification (germline): Pathogenic (1 of 4 stars; one submission).

Conditions:
Fanconi anemia (FA). Also called: Fanconi's anemia. Identifiers: Orphanet 84, MedGen C0015625, MeSH D005199, MONDO:0019391.

Submission:

Labcorp Genetics (formerly Invitae), Labcorp
Classification: Pathogenic for Fanconi anemia. Last evaluated: 2017-05-30. Review status: criteria provided, single submitter. Criteria: Invitae Variant Classification Sherloc (09022015). Collection method: clinical testing. Allele origin: germline.
Comment: This variant is an in-frame deletion of the genomic region encompassing exons 15-17 of the FANCA gene. It preserves the integrity of the reading frame. This deletion, and similar in-frame deletions within exons 15-17, have been reported in individuals affected with Fanconi anemia (PMID: 10521298, 23613520, 17924555, 9711872). The in-frame deletion of exon 15 has been reported as a founder variant in the Tunisian population (PMID: 24689079). For these reasons, this variant has been classified as Pathogenic.

NC_000016.10:g.(?_89782853)_(89784970_?)del

Gene: FANCA (FA complementation group A; minus strand). Cytogenetic location: 16q24.3.
Variant type: Deletion.
Identifiers: ClinVar variation 456071 (VCV000456071.1).